The following is an entry in ClinVar:

ClinVar aggregate classification (germline): Uncertain significance. Review status: criteria provided, multiple submitters, no conflicts (2 of 4 stars). 4 submissions from 4 submitters: Uncertain significance (4). Last evaluated 2025-10-27.

Conditions:
Familial cancer of breast. Also called: hereditary breast carcinoma; BREAST CANCER, FAMILIAL; Hereditary breast cancer. Identifiers: Orphanet 227535, MedGen C0346153, MONDO:0016419, OMIM 114480. Disease mechanism: loss of function.
Ovarian cancer. Also called: OVARIAN CANCER, SOMATIC. Identifiers: Orphanet 213500, MedGen C1140680, MONDO:0008170, OMIM 167000.
Familial prostate cancer. Also called: Hereditary Prostate Cancer. Identifiers: MedGen C2931456, MONDO:0700275, OMIM 176807.
Blepharocheilodontic syndrome 1 (BCDS1). Identifiers: Orphanet 1997, MedGen C4551988, MONDO:0054740, OMIM 119580.
Endometrial carcinoma. Also called: Endometrial carcinoma, somatic. Identifiers: MedGen C0476089, MONDO:0002447, OMIM 608089, HP:0012114.
Hereditary diffuse gastric adenocarcinoma (HDGC). Also called: DIFFUSE GASTRIC AND LOBULAR BREAST CANCER SYNDROME. Identifiers: Orphanet 26106, MedGen C1708349, MONDO:0007648, OMIM 137215.

Submissions (4):

Labcorp Genetics (formerly Invitae), Labcorp
Classification: Uncertain significance for Hereditary diffuse gastric adenocarcinoma. Last evaluated: 2025-10-27. Review status: criteria provided, single submitter. Criteria: Invitae Variant Classification Sherloc (09022015). Collection method: clinical testing. Allele origin: germline.
Comment: This variant, c.2273_2275del, results in the deletion of 1 amino acid(s) of the CDH1 protein (p.Glu758del), but otherwise preserves the integrity of the reading frame. This variant is not present in population databases (gnomAD no frequency). This variant has not been reported in the literature in individuals affected with CDH1-related conditions. ClinVar contains an entry for this variant (Variation ID: 234536). Experimental studies and prediction algorithms are not available or were not evaluated, and the functional significance of this variant is currently unknown. In summary, the available evidence is currently insufficient to determine the role of this variant in disease. Therefore, it has been classified as a Variant of Uncertain Significance.

Baylor Genetics
Classification: Uncertain significance for Familial cancer of breast. Last evaluated: 2024-02-18. Review status: criteria provided, single submitter. Criteria: ACMG Guidelines, 2015. Collection method: clinical testing. Allele origin: unknown.

GeneDx
Classification: Uncertain significance. Last evaluated: 2015-09-24. Review status: criteria provided, single submitter. Criteria: GeneDx Variant Classification (06012015). Collection method: clinical testing. Allele origin: germline. Affected: yes.
Comment: This in-frame deletion of 3 nucleotides in CDH1 is denoted c.2273_2275delAAG at the cDNA level and p.Glu758del (E758del) at the protein level. The normal sequence, with the bases that are deleted in braces, is GAAG[AAG]GAGG. This deletion of a single Glutamic Acid residue occurs at a position that is conserved across species and is located within cytoplasmic domain and the binding domains of multiple proteins (Brooks-Wilson 2004, Figueiredo 2013, UniProt). This variant has not, to our knowledge, been published in the literature as being pathogenic or benign. Since in-frame deletions may or may not inhibit proper protein functioning, the clinical significance of this finding remains unclear at this time and we consider CDH1 Glu758del to be a variant of uncertain significance.

Juno Genomics, Hangzhou Juno Genomics, Inc
Classification: Uncertain significance for Familial prostate cancer; Blepharocheilodontic syndrome 1; Familial cancer of breast; Hereditary diffuse gastric adenocarcinoma; Endometrial carcinoma; Ovarian cancer. Review status: criteria provided, single submitter. Criteria: ACMG Guidelines, 2015. Collection method: clinical testing. Allele origin: germline.
Comment: Absent from controls (or at extremely low frequency if recessive) in Genome Aggregation Database.;Protein length changes due to in-frame deletions/insertions in a non-repeat region or stop-loss variants.

NM_004360.5(CDH1):c.2270AAG[1] (p.Glu758del)

Gene: CDH1 (cadherin 1; plus strand). Cytogenetic location: 16q22.1.
Variant type: Microsatellite.
Coding change: c.2270AAG[1] on transcript NM_004360.5 (MANE Select); one copy of the 3-base unit AAG starting at c.2270; the reference has two copies in a row; one copy, 3 bases deleted; also written c.2273_2275del.
Protein change: p.Glu758del; deletes glutamic acid 758.
Molecular consequence: inframe deletion.
Genome position (GRCh38, 1-based): chr16:68,828,282-68,828,284, AAG deleted; deleting any 3 consecutive bases within chr16:68,828,278-68,828,284 gives the same sequence; the position shown is the placement nearest the transcript's 3' end. VCF-style (leftmost placement, unchanged base first): chr16-68828277-TGAA-T. GRCh37 (hg19) VCF-style: chr16-68862180-TGAA-T.
Other names: c.2273_2275del (NM_004360.5, NM_004360.3); c.2087AAG[1], p.Glu697del (NM_001317184.2); c.722AAG[1], p.Glu242del (NM_001317185.2); c.305AAG[1], p.Glu103del (NM_001317186.2); short protein forms E758del, E103del, E697del, E242del.
Identifiers: ClinVar variation 234536 (VCV000234536.15), dbSNP rs876661070, ClinGen allele CA10577552.
Genomic context (GRCh38, chr16:68,828,277, plus strand): 5'-GGTCAAAGAGCCCTTACTGCCCCCAGAGGATGACACCCGGGACAACGTTTATTACTATGA[TGAA>T]GAAGGAGGCGGAGAAGAGGACCAGGTGGGTTTTGAAAACCTTGGTAGCTCAGTGGTGATC-3'